The following is an entry in ClinVar:

NM_000180.4(GUCY2D):c.1355A>G (p.Asp452Gly)

Gene: GUCY2D (guanylate cyclase 2D, retinal; plus strand). Cytogenetic location: 17p13.1.
Variant type: single nucleotide variant.
Coding change: c.1355A>G on transcript NM_000180.4 (MANE Select); coding-DNA position 1355, A replaced by G.
Protein change: p.Asp452Gly; replaces aspartic acid 452 with glycine.
Molecular consequence: missense variant.
Genome position (GRCh38, 1-based): chr17:8,006,691, A>G. VCF-style: chr17-8006691-A-G. GRCh37 (hg19) VCF-style: chr17-7910009-A-G.
Other names: short protein forms D452G.
Identifiers: ClinVar variation 3762215 (VCV003762215.2).

ClinVar aggregate classification (germline): Uncertain significance (1 of 4 stars; one submission).

Conditions:
Leber congenital amaurosis 1 (LCA1). Also called: Congenital absence of the rods and cones; Leber's congenital tapetoretinal degeneration; Leber's congenital tapetoretinal dysplasia; AMAUROSIS CONGENITA OF LEBER I; RETINAL BLINDNESS, CONGENITAL. Identifiers: Orphanet 65, MedGen C2931258, MONDO:0008764, OMIM 204000.
Cone-rod dystrophy 6 (CORD6). Also called: Cone dystrophy progressive; RETINAL CONE DYSTROPHY 2. Identifiers: Orphanet 1872, MedGen C1866293, MONDO:0011143, OMIM 601777.

gnomAD v4.1: 2 of 1,609,554 alleles (0.00012%); highest among the groups gnomAD compares: Admixed American, 0.0034%; no homozygotes.

Submission:

Labcorp Genetics (formerly Invitae), Labcorp
Classification: Uncertain significance for Leber congenital amaurosis 1; Cone-rod dystrophy 6. Last evaluated: 2024-06-11. Review status: criteria provided, single submitter. Criteria: Invitae Variant Classification Sherloc (09022015). Collection method: clinical testing. Allele origin: germline.
Comment: This sequence change replaces aspartic acid, which is acidic and polar, with glycine, which is neutral and non-polar, at codon 452 of the GUCY2D protein (p.Asp452Gly). This variant is present in population databases (rs769219806, gnomAD 0.003%). This variant has not been reported in the literature in individuals affected with GUCY2D-related conditions. Advanced modeling of protein sequence and biophysical properties (such as structural, functional, and spatial information, amino acid conservation, physicochemical variation, residue mobility, and thermodynamic stability) performed at Invitae indicates that this missense variant is not expected to disrupt GUCY2D protein function with a negative predictive value of 80%. In summary, the available evidence is currently insufficient to determine the role of this variant in disease. Therefore, it has been classified as a Variant of Uncertain Significance.